The following continues an entry in ClinVar:

NM_000092.5(COL4A4):c.2320G>C (p.Gly774Arg)

Gene: COL4A4. ClinVar aggregate classification (germline): Conflicting classifications of pathogenicity. Pathogenic (11); Likely pathogenic (8); Uncertain significance (1).

Submissions 12 to 22 of 22:

Molecular Genetics, Royal Melbourne Hospital
Classification: Likely pathogenic for Alport syndrome. Last evaluated: 2023-03-30. Review status: criteria provided, single submitter. Criteria: ACMG Guidelines, 2015. Collection method: clinical testing. Allele origin: germline. Affected: yes.
Comment: This sequence change in COL4A4 is predicted to replace glycine with arginine at codon 774 (p.(Gly774Arg)). The glycine residue is evolutionarily conserved (100 vertebrates, UCSC), and alters a critical glycine residue in a collagen triple helix repeat (Gly-X-Y) in one of the intermediate collagenous domains. There is a large physicochemical difference between glycine and arginine. The highest population minor allele frequency in gnomAD v2.1 is 0.04% (13/30,598 alleles) in the South Asian population, which is lower than the credible allele frequency for recessive Alport syndrome. This variant has been reported in cis with the variant of uncertain significance c.4394G>C, p.(Gly1465Asp) in individuals and families with both dominant and recessive forms of Alport syndrome (PMID: 24033287, 26934356, 28632965, 29496980, 33048202, 33838161). It has been reported alone heterozygous in at least one proband with haematuria and compound heterozygous for the variant and a pathogenic variant (confirmed in trans) in at least one proband with a clinical diagnosis of Alport syndrome (PMID: 24854265, 33532864). The variant has been reported to segregate alone with Alport syndrome with a dominant inheritance pattern in at least two families (PMID: 17396119, 28632965). Multiple lines of computational evidence predict a deleterious effect for the missense substitution (5/5 algorithms). Based on the classification scheme RMH Modified ACMG Guidelines v1.4.0, this variant is classified as LIKELY PATHOGENIC. Following criteria are met: PM1, PM3, PP1_Moderate, PM2_Supporting, PP3.

Mendelics
Classification: Pathogenic for Hematuria, benign familial, 1. Last evaluated: 2022-05-04. Review status: criteria provided, single submitter. Criteria: Mendelics Assertion Criteria 2019. Collection method: clinical testing. Allele origin: germline.

Victorian Clinical Genetics Services, Murdoch Childrens Research Institute
Classification: Pathogenic for Alport syndrome. Last evaluated: 2022-03-31. Review status: criteria provided, single submitter. Criteria: ACMG Guidelines, 2015. Collection method: clinical testing. Allele origin: germline. Affected: no.
Comment: Based on the classification scheme VCGS_Germline_v1.3.4, this variant is classified as Pathogenic Following criteria are met: 0103 - Loss of function is a known mechanism of disease for this gene and is associated with COL4A4-related nephropathy. Dominant negative is a suspected mechanism of disease for this gene as it is a structural protein (PMID: 12028435, 24046192). (I) 0108 - This gene is associated with both recessive and dominant disease. Alport syndrome typically has biallelic inheritance, although rare cases of monoallelic inheritance have been reported. TBMN and focal segmental glomerulosclerosis (FSGS) are associated with autosomal dominant inheritance (OMIM, PMID: 28704582, 16467446, 17942953). (I) 0200 - Variant is predicted to result in a missense amino acid change from glycine to arginine. (I) 0251 - This variant is heterozygous. (I) 0304 - Variant is present in gnomAD <0.01 (v2: 19 heterozygotes, 0 homozygotes). (SP) 0501 - Missense variant consistently predicted to be damaging by multiple in silico tools or highly conserved with a major amino acid change. (SP) 0601 - Variant is located in the well-established functional G-X-Y triple-helical region (Uniprot). (SP) 0705 - No comparable missense variants have previous evidence for pathogenicity. (I) 0801 - This variant has strong previous evidence of pathogenicity in unrelated individuals with autosomal dominant Alport syndrome or haematuria. In addition, it is commonly reported to be in cis with a VUS (p.(Gly1465Asp)) (PMID: 26934356, 28632965, 17396119, 24854265). (SP) 0903 - This variant has limited evidence for segregation with disease. It has been reported in a single family with four affected individuals across two generations (PMID: 17396119). (SP) 1007 - No published functional evidence has been identified for this variant. (I) 1208 - Inheritance information for this variant is not currently available in this individual. (I) Legend: (SP) - Supporting pathogenic, (I) - Information, (SB) - Supporting benign

Mayo Clinic Laboratories, Mayo Clinic
Classification: Likely pathogenic. Last evaluated: 2021-07-28. Review status: criteria provided, single submitter. Criteria: ACMG Guidelines, 2015. Collection method: clinical testing. Allele origin: germline. Observed: 1 variant allele.
Comment: PP3, PM2_supporting, PM3_strong

Molecular Biology Laboratory, Fundació Puigvert
Classification: Likely pathogenic for Autosomal recessive Alport syndrome. Last evaluated: 2020-02-01. Review status: criteria provided, single submitter. Criteria: ACMG Guidelines, 2015. Collection method: research. Allele origin: maternal. Affected: yes. Study: KidneyPanel_2020.

Centre for Mendelian Genomics, University Medical Centre Ljubljana
Classification: Likely pathogenic for Hearing impairment; Hematuria; Hypertensive disorder; Myopia; Proteinuria. Last evaluated: 2017-01-01. Review status: criteria provided, single submitter. Criteria: ACMG Guidelines, 2015. Collection method: clinical testing. Allele origin: unknown. Affected: yes.

Juno Genomics, Hangzhou Juno Genomics, Inc
Classification: Pathogenic for Autosomal recessive Alport syndrome; Hematuria, benign familial, 1. Review status: criteria provided, single submitter. Criteria: ACMG Guidelines, 2015. Collection method: clinical testing. Allele origin: germline. Affected: yes.
Comment: Absent from controls (or at extremely low frequency if recessive) in Genome Aggregation Database, Exome Sequencing Project, 1000 Genomes Project, or Exome Aggregation Consortium.;The prevalence of the variant in affected individuals is significantly increased compared to the prevalence in controls.;For recessive disorders, detected in trans with a pathogenic variant.;Co-segregation with disease in multiple affected family members in a gene definitively known to cause the disease.;Multiple lines of computational evidence support a deleterious effect on the gene or gene product (conservation, evolutionary, splicing impact, etc).;Patient's phenotype or family history is highly specific for a disease with a single genetic etiology.

Kariminejad - Najmabadi Pathology & Genetics Center
Classification: Likely pathogenic for Autosomal recessive Alport syndrome. Review status: criteria provided, single submitter. Criteria: ACMG Guidelines, 2015. Collection method: clinical testing. Allele origin: germline. Affected: no.

Neuberg Centre For Genomic Medicine, NCGM
Classification: Likely pathogenic for Autosomal recessive Alport syndrome. Review status: criteria provided, single submitter. Criteria: ACMG Guidelines, 2015. Collection method: clinical testing. Allele origin: germline. Inheritance: Autosomal recessive inheritance. Affected: yes.
Comment: The missense variant c.2320G>C(p.Gly774Arg) in COL4A4 gene has been observed in heterozygous state in individual(s) with clinical features of autosomal dominant Alport syndrome, autosomal recessive Alport syndrome, and basement membrane disease (Kopadze et. al., 2021; Papazachariou et. al., 2017). It has also been observed to segregate with disease in related individuals. This variant has been reported in cis with the COL4A4 variant c.4394G>C, p.(Gly1465Asp) in individuals and families with both dominant and recessive forms of Alport syndrome (Goka et. al., 2021; Papazachariou et. al., 2017). The p.Gly774Arg variant is novel (not in any individuals) in 1000 Genomes and has allele frequency of 0.007% in gnomAD exomes database. This variant has been reported to the ClinVar database as Pathogenic / Likely Pathogenic / Uncertain Significance. The amino acid change p.Gly774Arg in COL4A4 is predicted as conserved by GERP++ and PhyloP across 100 vertebrates. The amino acid Gly at position 774 is changed to a Arg changing protein sequence and it might alter its composition and physico-chemical properties. Functional studies will be required to confirm the pathogenicity of the variant. For these reasons, this variant has been classified as Likely Pathogenic.

Sydney Genome Diagnostics, Children's Hospital Westmead
Classification: Likely pathogenic for Alport syndrome. Last evaluated: 2018-01-09. Review status: no assertion criteria provided. Collection method: clinical testing. Allele origin: unknown. Affected: yes. Observed: 1 variant allele, 1 heterozygote. Not counted in ClinVar's aggregate classification.
Comment: This variant has been reported in the gnomAD browser with a very low allele frequency of 0.007% (19 out of 277,186 alleles). This variant has been previously reported in the heterozygous state in multiple members within a family with hematuria (Slajpah et al. Kidney Int 2007; 71: 1287-1295). The c.2320G>C results in the substitution of one of the invariant glycine residues in the triple helical domain p.(Gly774Arg). This variant is considered to be likely pathogenic according to the ACMG guidelines.

Counsyl
Classification: Likely pathogenic for Autosomal recessive Alport syndrome. Last evaluated: 2017-03-17. Review status: no assertion criteria provided. Collection method: clinical testing. Allele origin: unknown. Not counted in ClinVar's aggregate classification.

Literature cited by the submitters: PubMed 17396119 (cited by 6 submitters); PubMed 26934356 (cited by 6 submitters); PubMed 28632965 (cited by 5 submitters); PubMed 33532864 (cited by 4 submitters); PubMed 34584596 (cited by Labcorp Genetics (formerly Invitae), Labcorp and Dasa); PubMed 29801666 (cited by Natera, Inc.); PubMed 36349757 (cited by Natera, Inc.); PubMed 39443691 (cited by Natera, Inc.); PubMed 24033287 (cited by Molecular Genetics, Royal Melbourne Hospital); PubMed 24854265 (cited by 3 submitters); PubMed 29496980 (cited by Molecular Genetics, Royal Melbourne Hospital); PubMed 33048202 (cited by Molecular Genetics, Royal Melbourne Hospital); PubMed 33838161 (cited by Molecular Genetics, Royal Melbourne Hospital); PubMed 12028435 (cited by Victorian Clinical Genetics Services, Murdoch Childrens Research Institute); PubMed 16467446 (cited by Victorian Clinical Genetics Services, Murdoch Childrens Research Institute); PubMed 17942953 (cited by Victorian Clinical Genetics Services, Murdoch Childrens Research Institute); PubMed 24046192 (cited by Victorian Clinical Genetics Services, Murdoch Childrens Research Institute); PubMed 28704582 (cited by Victorian Clinical Genetics Services, Murdoch Childrens Research Institute).